The following is an entry in ClinVar:

ClinVar aggregate classification (germline): Uncertain significance. Review status: criteria provided, multiple submitters, no conflicts (2 of 4 stars). 3 submissions from 3 submitters: Uncertain significance (3). Last evaluated 2025-07-22.

Conditions:
Familial cancer of breast. Also called: hereditary breast carcinoma; Hereditary breast cancer; BREAST CANCER, FAMILIAL. Identifiers: Orphanet 227535, MedGen C0346153, MONDO:0016419, OMIM 114480. Disease mechanism: loss of function.
Hereditary breast ovarian cancer syndrome. Also called: Hereditary breast and ovarian cancer syndrome (HBOC); Breast and ovarian cancer; BRCA1- and BRCA2-Associated Hereditary Breast and Ovarian Cancer; Hereditary breast and/or ovarian cancer syndrome; Hereditary breast and ovarian cancer syndrome; Hereditary breast and ovarian cancer. Identifiers: Orphanet 145, MedGen C0677776, MeSH D061325, MONDO:0003582. Disease mechanism: loss of function.
Hereditary cancer-predisposing syndrome. Also called: Tumor predisposition; Hereditary neoplastic syndrome; Neoplastic Syndromes, Hereditary; Hereditary Cancer Syndrome. Identifiers: Orphanet 140162, MedGen C0027672, MeSH D009386, MONDO:0015356.

Submissions (3):

Labcorp Genetics (formerly Invitae), Labcorp
Classification: Uncertain significance for Familial cancer of breast. Last evaluated: 2025-07-22. Review status: criteria provided, single submitter. Criteria: Invitae Variant Classification Sherloc (09022015). Collection method: clinical testing. Allele origin: germline.
Comment: This sequence change replaces glycine, which is neutral and non-polar, with glutamic acid, which is acidic and polar, at codon 451 of the BARD1 protein (p.Gly451Glu). This variant is not present in population databases (gnomAD no frequency). This variant has not been reported in the literature in individuals affected with BARD1-related conditions. ClinVar contains an entry for this variant (Variation ID: 818960). An algorithm developed to predict the effect of missense changes on protein structure and function (PolyPhen-2) suggests that this variant is likely to be disruptive. In summary, the available evidence is currently insufficient to determine the role of this variant in disease. Therefore, it has been classified as a Variant of Uncertain Significance.

National Health Laboratory Service, Universitas Academic Hospital and University of the Free State
Classification: Uncertain significance for Hereditary breast ovarian cancer syndrome. Last evaluated: 2022-04-19. Review status: criteria provided, single submitter. Criteria: ACMG Guidelines, 2015. Collection method: clinical testing. Allele origin: germline. Affected: yes. Observed: 1 variant allele.

Ambry Genetics
Classification: Uncertain significance for Hereditary cancer-predisposing syndrome. Last evaluated: 2020-12-17. Review status: criteria provided, single submitter. Criteria: Ambry Variant Classification Scheme 2023. Collection method: clinical testing. Allele origin: germline.
Comment: The p.G451E variant (also known as c.1352G>A), located in coding exon 5 of the BARD1 gene, results from a G to A substitution at nucleotide position 1352. The glycine at codon 451 is replaced by glutamic acid, an amino acid with similar properties. This amino acid position is highly conserved in available vertebrate species. In addition, this alteration is predicted to be deleterious by in silico analysis. Since supporting evidence is limited at this time, the clinical significance of this alteration remains unclear.

NM_000465.4(BARD1):c.1352G>A (p.Gly451Glu)

Gene: BARD1 (BRCA1 associated RING domain 1; minus strand). Cytogenetic location: 2q35.
Variant type: single nucleotide variant.
Coding change: c.1352G>A on transcript NM_000465.4 (MANE Select); coding-DNA position 1352, G replaced by A.
Protein change: p.Gly451Glu; replaces glycine 451 with glutamic acid.
Molecular consequence: missense variant. On other transcripts: non-coding transcript variant (3), intron variant (3).
Genome position (GRCh38, 1-based): chr2:214,769,275, C>T on the plus strand (G>A on the coding strand, the complement: BARD1 is on the minus strand). VCF-style: chr2-214769275-C-T. GRCh37 (hg19) VCF-style: chr2-215633999-C-T.
Other names: NP_000456.2:p.Gly451Glu; c.1295G>A, p.Gly432Glu (NM_001282543.2); c.159-16720G>A (NM_001282548.2); c.216-16720G>A (NM_001282545.2); c.364+23022G>A (NM_001282549.2); short protein forms G432E, G451E.
Identifiers: ClinVar variation 818960 (VCV000818960.17), dbSNP rs771410310, ClinGen allele CA350450357.